The following is an entry in ClinVar:

ClinVar aggregate classification (germline): Pathogenic. Review status: reviewed by expert panel (3 of 4 stars). 2 submissions from 2 submitters: Pathogenic (1). 1 of the submissions does not count toward it. Last evaluated 2020-09-06.

Conditions:
Glanzmann thrombasthenia 2. Also called: BLEEDING DISORDER, PLATELET-TYPE, 23. Identifiers: MedGen C5543273, MONDO:0031009, OMIM 619267.
Glanzmann thrombasthenia. Also called: THROMBASTHENIA OF GLANZMANN AND NAEGELI; BLEEDING DISORDER, PLATELET-TYPE, 2; Thrombasthenia; Glanzmann's thrombasthenia; PLATELET GLYCOPROTEIN IIb-IIIa DEFICIENCY. Identifiers: Orphanet 849, MedGen C0040015, MONDO:0100326.

Allele frequency attached by ClinVar (database versions not stated): TOPMed 0.00001.

Submissions (2):

ClinGen Platelet Disorders Variant Curation Expert Panel, ClinGen
Classification: Pathogenic for Glanzmann thrombasthenia. Last evaluated: 2020-09-06. Review status: reviewed by expert panel. Criteria: ClinGen Platelet ACMG Specifications v2. Collection method: curation. Allele origin: germline. Inheritance: Autosomal recessive inheritance.
Comment: The NM_000212.2(ITGB3):c.433G>T (p.Asp145Tyr) is a missense variant that is expressed normally on the platelet surface, but lacks the function of ligand binding (PMID: 2392682, PMID:15583747). It has been reported in 2 siblings with variant GT, in the homozygous state (PMIDs: 2428841, 2392682, 7520434) and a compound heterozygote (with Met150Val;PMID: 15583747). It is absent from population databases and has a REVEL score of 0.972 (threshold: >0.7). In summary, based on the available evidence at this time, the variant is classified as Pathogenic. GT-specific criteria applied: PS3, PM2_Supporting, PP1, PP3, PP4_Moderate, PM3_Supporting.

OMIM
Classification: Pathogenic for GLANZMANN THROMBASTHENIA 2. Last evaluated: 1990-08-24. Review status: no assertion criteria provided. Collection method: literature only. Allele origin: germline. Not counted in ClinVar's aggregate classification.

Literature cited by the submitters: PubMed 30828542 (cited by ClinGen Platelet Disorders Variant Curation Expert Panel, ClinGen); PubMed 2392682 (cited by ClinGen Platelet Disorders Variant Curation Expert Panel, ClinGen and OMIM); PubMed 2428841 (cited by ClinGen Platelet Disorders Variant Curation Expert Panel, ClinGen and OMIM); PubMed 15583747 (cited by ClinGen Platelet Disorders Variant Curation Expert Panel, ClinGen).

NM_000212.3(ITGB3):c.433G>T (p.Asp145Tyr)

Gene: ITGB3 (integrin subunit beta 3; plus strand). Cytogenetic location: 17q21.32.
Variant type: single nucleotide variant.
Coding change: c.433G>T on transcript NM_000212.3 (MANE Select); coding-DNA position 433, G replaced by T.
Protein change: p.Asp145Tyr; replaces aspartic acid 145 with tyrosine.
Molecular consequence: missense variant.
Genome position (GRCh38, 1-based): chr17:47,284,514, G>T. VCF-style: chr17-47284514-G-T. GRCh37 (hg19) VCF-style: chr17-45361880-G-T.
Other names: D119Y; c.433G>T (NM_000212.2); short protein forms D145Y.
Identifiers: ClinVar variation 13554 (VCV000013554.7), dbSNP rs121918445, ClinGen allele CA123226.